The following is an entry in ClinVar:

NM_000277.3(PAH):c.284_285delinsCA (p.Ile95Thr)

Gene: PAH (phenylalanine hydroxylase; minus strand). Cytogenetic location: 12q23.2.
Variant type: Indel.
Coding change: c.284_285delinsCA on transcript NM_000277.3 (MANE Select); coding-DNA positions 284 to 285, TC replaced by CA.
Protein change: p.Ile95Thr; replaces isoleucine 95 with threonine.
Molecular consequence: missense variant.
Genome position (GRCh38, 1-based): chr12:102,894,802-102,894,803, GA replaced by TG on the plus strand (TC replaced by CA on the coding strand, the reverse complement: PAH is on the minus strand). VCF-style: chr12-102894802-GA-TG. GRCh37 (hg19) VCF-style: chr12-103288580-GA-TG.
Other names: c.284_285delinsCA (NM_000277.1); c.284_285delinsCA, p.Ile95Thr (NM_001354304.2); short protein forms I95T.
Identifiers: ClinVar variation 120272 (VCV000120272.5), dbSNP rs281865432, ClinGen allele CA267649.

ClinVar aggregate classification (germline): Uncertain significance. Review status: reviewed by expert panel (3 of 4 stars). 4 submissions from 4 submitters: Uncertain significance (1). 3 of the submissions do not count toward it. Last evaluated 2020-01-25.

Conditions:
PAH-related disorder. Also called: PAH-related condition.
Phenylketonuria (PKU). Also called: Phenylketonuria (PKU); FOLLING DISEASE; OLIGOPHRENIA PHENYLPYRUVICA; Phenylketonurias. Identifiers: Orphanet 716, MedGen C0031485, MONDO:0009861, OMIM 261600. Disease mechanism: loss of function.

Submissions (4):

ClinGen PAH Variant Curation Expert Panel
Classification: Uncertain significance for Phenylketonuria. Last evaluated: 2020-01-25. Review status: reviewed by expert panel. Criteria: ClinGen PAH ACMG Specifications v1. Collection method: curation. Allele origin: germline. Inheritance: Autosomal recessive inheritance.
Comment: The c.284_285delTCinsCA (p.Ile95Thr) indel variant in PAH has not been reported in the literature to our knowledge. It has been included in BioPKU/PAHdb (PAH0793) by online submission (Namour et al.,2013). It is absent from ExAC, gnomAD, 1000G, and ESP. There is not consensus among predictions of pathogenicity. In summary, this variant meets criteria to be classified as uncertain significance for PAH. PAH-specific ACMG/AMP criteria applied: PM2.

PreventionGenetics, part of Exact Sciences
Classification: Uncertain significance for PAH-related condition. Last evaluated: 2023-07-13. Review status: criteria provided, single submitter. Criteria: ACMG Guidelines, 2015. Collection method: clinical testing. Allele origin: germline. Not counted in ClinVar's aggregate classification.
Comment: The PAH c.284_285delinsCA variant is predicted to result in an in-frame deletion and insertion. which is predicted to result in the amino acid substitution p.Ile95Thr. This variant has been interpreted by the ClinGen PAH Variant Curation Expert Panel as uncertain. A different amino acid substitution at this position (p.Ile95Phe) has been reported in several patients with phenylketonuria (Bercovich D et al 2008. PubMed ID: 18299955; Rajabi F et al 2019. PubMed ID: 31623983). To our knowledge, this variant has not been reported in the literature or in a large population database, indicating this variant is rare. At this time, the clinical significance of this variant is uncertain due to the absence of conclusive functional and genetic evidence.

Labcorp Genetics (formerly Invitae), Labcorp
Classification: Uncertain significance for Phenylketonuria. Last evaluated: 2019-10-04. Review status: criteria provided, single submitter. Criteria: Invitae Variant Classification Sherloc (09022015). Collection method: clinical testing. Allele origin: germline. Not counted in ClinVar's aggregate classification.
Comment: This sequence change replaces isoleucine with threonine at codon 95 of the PAH protein (p.Ile95Thr). The isoleucine residue is highly conserved and there is a moderate physicochemical difference between isoleucine and threonine. This variant is not present in population databases (ExAC no frequency). This variant has not been reported in the literature in individuals with PAH-related conditions. ClinVar contains an entry for this variant (Variation ID: 120272). Algorithms developed to predict the effect of missense changes on protein structure and function are either unavailable or do not agree on the potential impact of this missense change (SIFT: "Deleterious"; PolyPhen-2: "Benign"; Align-GVGD: "Class C15"). This variant disrupts the p.Ile95 amino acid residue in PAH. Other variant(s) that disrupt this residue have been determined to be pathogenic (PMID: 14722928, 1709636, 17096675, 18985011, 19292873, 23430918, 25894915, 26666653). This suggests that this residue is clinically significant, and that variants that disrupt this residue are likely to be disease-causing. In summary, the available evidence is currently insufficient to determine the role of this variant in disease. Therefore, it has been classified as a Variant of Uncertain Significance.

Inserm U 954, Faculté de Médecine de Nancy
Classification: Likely pathogenic for Phenylketonuria. Review status: no assertion criteria provided. Collection method: not provided. Allele origin: unknown. Not counted in ClinVar's aggregate classification.
ClinVar note: Converted during submission from probable-pathogenic to Likely pathogenic.

Literature cited by the submitters: PubMed 14722928 (cited by Labcorp Genetics (formerly Invitae), Labcorp); PubMed 25894915 (cited by Labcorp Genetics (formerly Invitae), Labcorp); PubMed 23430918 (cited by Labcorp Genetics (formerly Invitae), Labcorp); PubMed 17096675 (cited by Labcorp Genetics (formerly Invitae), Labcorp); PubMed 26666653 (cited by Labcorp Genetics (formerly Invitae), Labcorp); PubMed 19292873 (cited by Labcorp Genetics (formerly Invitae), Labcorp); PubMed 18985011 (cited by Labcorp Genetics (formerly Invitae), Labcorp); PubMed 1709636 (cited by Labcorp Genetics (formerly Invitae), Labcorp).